The following is an entry in ClinVar:

ClinVar aggregate classification (germline): Benign/Likely benign. Review status: criteria provided, multiple submitters, no conflicts (2 of 4 stars). 7 submissions from 7 submitters: Benign (6); Likely benign (1). Last evaluated 2026-02-04.

Conditions:
Neutral lipid storage myopathy (NLSDM). Also called: NEUTRAL LIPID STORAGE DISEASE WITHOUT ICHTHYOSIS. Identifiers: Orphanet 98908, MedGen C1853136, MONDO:0012545, OMIM 610717.

Allele frequency attached by ClinVar (database versions not stated): ESP Exome Variant Server 0.12130; gnomAD 0.21489 and 0.21618; TOPMed 0.22085; ExAC 0.22738; 1000 Genomes Project 30x 0.26343; 1000 Genomes Project 0.26757.

Submissions (7):

Labcorp Genetics (formerly Invitae), Labcorp
Classification: Benign for Neutral lipid storage myopathy. Last evaluated: 2026-02-04. Review status: criteria provided, single submitter. Criteria: Invitae Variant Classification Sherloc (09022015). Collection method: clinical testing. Allele origin: germline.

Blueprint Genetics
Classification: Likely benign. Last evaluated: 2024-11-27. Review status: criteria provided, single submitter. Criteria: ACMG Guidelines, 2015. Collection method: clinical testing. Allele origin: germline.

Mayo Clinic Laboratories, Mayo Clinic
Classification: Benign. Last evaluated: 2022-05-05. Review status: criteria provided, single submitter. Criteria: ACMG Guidelines, 2015. Collection method: clinical testing. Allele origin: germline. Observed: 425 variant alleles.

GeneDx
Classification: Benign. Last evaluated: 2018-06-13. Review status: criteria provided, single submitter. Criteria: GeneDx Variant Classification (06012015). Collection method: clinical testing. Allele origin: germline. Affected: yes.
Comment: This variant is considered likely benign or benign based on one or more of the following criteria: it is a conservative change, it occurs at a poorly conserved position in the protein, it is predicted to be benign by multiple in silico algorithms, and/or has population frequency not consistent with disease.

Illumina Laboratory Services, Illumina
Classification: Benign for Neutral lipid storage myopathy. Last evaluated: 2018-01-13. Review status: criteria provided, single submitter. Criteria: ICSL Variant Classification Criteria 13 December 2019. Collection method: clinical testing. Allele origin: germline.
Comment: This variant was observed in the ICSL laboratory as part of a predisposition screen in an ostensibly healthy population. It had not been previously curated by ICSL or reported in the Human Gene Mutation Database (HGMD: prior to June 1st, 2018), and was therefore a candidate for classification through an automated scoring system. Utilizing variant allele frequency, disease prevalence and penetrance estimates, and inheritance mode, an automated score was calculated to assess if this variant is too frequent to cause the disease. Based on the score and internal cut-off values, a variant classified as benign is not then subjected to further curation. The score for this variant resulted in a classification of benign for this disease.

Breakthrough Genomics
Classification: Benign. Review status: criteria provided, single submitter. Criteria: ACMG Guidelines, 2015. Collection method: not provided. Allele origin: germline. Inheritance: Autosomal recessive inheritance. Affected: yes.

PreventionGenetics, part of Exact Sciences
Classification: Benign. Review status: criteria provided, single submitter. Criteria: ACMG Guidelines, 2015. Collection method: clinical testing. Allele origin: germline.

NM_020376.4(PNPLA2):c.1458C>T (p.Pro486=)

Gene: PNPLA2 (patatin like domain 2, triacylglycerol lipase; plus strand). Cytogenetic location: 11p15.5.
Variant type: single nucleotide variant.
Coding change: c.1458C>T on transcript NM_020376.4 (MANE Select); coding-DNA position 1458, C replaced by T.
Protein change: p.Pro486=; no amino-acid change (proline 486 retained).
Molecular consequence: synonymous variant.
Genome position (GRCh38, 1-based): chr11:824,805, C>T. VCF-style: chr11-824805-C-T. GRCh37 (hg19) VCF-style: chr11-824805-C-T.
Other names: p.Pro486=.
Identifiers: ClinVar variation 261238 (VCV000261238.18), dbSNP rs1138694, ClinGen allele CA5791421.
Genomic context (GRCh38, chr11:824,805, plus strand): 5'-CCCGGCTCCCGCCCCCGCGGACCCAGCATCCCCGCAGCACCAGCTGGCCGGGCCTGCCCC[C>T]TTGCTGAGCACCCCTGCTCCCGAGGCCCGGCCCGTGATCGGGGCCCTGGGGCTGTGAGAC-3'
Protein context (NP_065109.1, residues 476-496): SPQHQLAGPA[Pro486=]LLSTPAPEAR